The following is an entry in ClinVar:

NM_181882.3(PRX):c.203C>T (p.Ala68Val)

Gene: PRX (periaxin; minus strand). Cytogenetic location: 19q13.2.
Variant type: single nucleotide variant.
Coding change: c.203C>T on transcript NM_181882.3 (MANE Select); coding-DNA position 203, C replaced by T.
Protein change: p.Ala68Val; replaces alanine 68 with valine.
Molecular consequence: missense variant.
Genome position (GRCh38, 1-based): chr19:40,398,798, G>A on the plus strand (C>T on the coding strand, the complement: PRX is on the minus strand). VCF-style: chr19-40398798-G-A. GRCh37 (hg19) VCF-style: chr19-40904705-G-A.
Other names: c.488C>T, p.Ala163Val (NM_001411127.1); c.203C>T, p.Ala68Val (NM_020956.2); short protein forms A68V, A163V.
Identifiers: ClinVar variation 4088200 (VCV004088200.1).

ClinVar aggregate classification (germline): Uncertain significance (1 of 4 stars; one submission).

Submission:

GeneDx
Classification: Uncertain significance. Last evaluated: 2025-03-24. Review status: criteria provided, single submitter. Criteria: GeneDx Variant Classification Process June 2021. Collection method: clinical testing. Allele origin: germline. Affected: yes.
Comment: Not observed at significant frequency in large population cohorts (gnomAD); In silico analysis supports that this missense variant has a deleterious effect on protein structure/function; Has not been previously published as pathogenic or benign to our knowledge